The following is an entry in ClinVar:

NM_001101362.3(KBTBD13):c.862G>C (p.Val288Leu)

Gene: KBTBD13 (kelch repeat and BTB domain containing 13; plus strand). Cytogenetic location: 15q22.31.
Variant type: single nucleotide variant.
Coding change: c.862G>C on transcript NM_001101362.3 (MANE Select); coding-DNA position 862, G replaced by C.
Protein change: p.Val288Leu; replaces valine 288 with leucine.
Molecular consequence: missense variant.
Genome position (GRCh38, 1-based): chr15:65,077,677, G>C. VCF-style: chr15-65077677-G-C. GRCh37 (hg19) VCF-style: chr15-65370015-G-C.
Other names: short protein forms V288L.
Identifiers: ClinVar variation 917535 (VCV000917535.3), dbSNP rs762309788, ClinGen allele CA7614002.

ClinVar aggregate classification (germline): Uncertain significance (1 of 4 stars; one submission).

Conditions:
Nemaline myopathy 6 (NEM6). Also called: Nemaline myopathy 6, autosomal dominant. Identifiers: Orphanet 171439, MedGen C1836472, MONDO:0012237, OMIM 609273.

Allele frequency attached by ClinVar (database versions not stated): TOPMed below 0.00001; gnomAD 0.00001; ExAC below 0.00001.

Submission:

Institute of Human Genetics, University of Goettingen
Classification: Uncertain significance for Nemaline myopathy 6. Last evaluated: 2020-06-02. Review status: criteria provided, single submitter. Criteria: ACMG Guidelines, 2015. Collection method: clinical testing. Allele origin: unknown. Inheritance: Autosomal dominant inheritance. Observed: 1 heterozygote.
Comment: The c.862G>C KBTBD13-variant p.(Val288Leu) is found at a very low frequency within the general population (only one entry in gnomAD) and has a benign computational verdict due 11 benign predictions from DANN, DEOGEN2, EIGEN, FATHMM-MKL, MVP, MutationAssessor, MutationTaster, PrimateAI, REVEL, PolyPhen-2 and SIFT vs 1 pathogenic prediction from M-CAP. The variant affects a weakly conserved nucleotide, a moderately conserved amino acid and there is a small physicochemical difference between Val and Leu. ACMG criteria used for classification: PM2, BP4.